The following is an entry in ClinVar:

ClinVar aggregate classification (germline): Uncertain significance (1 of 4 stars; one submission).

Conditions:
Intellectual developmental disorder, X-linked, syndromic, Turner type. Also called: X-linked intellectual disability, Turner type; Intellectual disability, X-linked syndromic, Turner type. Identifiers: Orphanet 3056, Orphanet 85328, MedGen C2678046, MONDO:0010407, OMIM 309590.

Submission:

Juno Genomics, Hangzhou Juno Genomics, Inc
Classification: Uncertain significance for Intellectual developmental disorder, X-linked, syndromic, Turner type. Review status: criteria provided, single submitter. Criteria: ACMG Guidelines, 2015. Collection method: clinical testing. Allele origin: germline.
Comment: Absent from controls (or at extremely low frequency if recessive) in Genome Aggregation Database.;Multiple lines of computational evidence suggest no impact on gene or gene product.

NM_031407.7(HUWE1):c.7875T>G (p.Asp2625Glu)

Gene: HUWE1 (HECT, UBA and WWE domain containing E3 ubiquitin protein ligase 1; minus strand). Cytogenetic location: Xp11.22.
Variant type: single nucleotide variant.
Coding change: c.7875T>G on transcript NM_031407.7 (MANE Select); coding-DNA position 7875, T replaced by G.
Protein change: p.Asp2625Glu; replaces aspartic acid 2625 with glutamic acid.
Molecular consequence: missense variant.
Genome position (GRCh38, 1-based): chrX:53,559,394, A>C on the plus strand (T>G on the coding strand, the complement: HUWE1 is on the minus strand). VCF-style: chrX-53559394-A-C. GRCh37 (hg19) VCF-style: chrX-53586355-A-C.
Other names: c.7872T>G, p.Asp2624Glu (NM_001441048.1, NM_001441051.1, NM_001441053.1 and 2 more transcripts); c.7875T>G, p.Asp2625Glu (NM_001441049.1, NM_001441054.1, NM_001441057.1); c.7896T>G, p.Asp2632Glu (NM_001441050.1, NM_001441055.1); c.7473T>G, p.Asp2491Glu (NM_001441052.1); short protein forms D2491E, D2624E, D2625E, D2632E.
Identifiers: ClinVar variation 5007580 (VCV005007580.2).